The following is an entry in ClinVar:

NM_000152.5(GAA):c.1637-2A>G

Gene: GAA (alpha glucosidase; plus strand). Cytogenetic location: 17q25.3.
Variant type: single nucleotide variant.
Coding change: c.1637-2A>G on transcript NM_000152.5 (MANE Select); the canonical splice acceptor site of the intron before coding-DNA position 1637, A replaced by G.
Molecular consequence: splice acceptor variant.
Genome position (GRCh38, 1-based): chr17:80,111,981, A>G. VCF-style: chr17-80111981-A-G. GRCh37 (hg19) VCF-style: chr17-78085780-A-G.
Other names: c.1637-2A>G (NM_001406741.1, NM_001406742.1, NM_001079803.3 and 1 more transcripts).
Identifiers: ClinVar variation 1454720 (VCV001454720.7), dbSNP rs2143882034, ClinGen allele CA401368702.

ClinVar aggregate classification (germline): Pathogenic. Review status: criteria provided, multiple submitters, no conflicts (2 of 4 stars). 2 submissions from 2 submitters: Pathogenic (2). Last evaluated 2026-07-01.

Conditions:
Glycogen storage disease, type II (IOPD). Also called: CARDIOMEGALIA GLYCOGENICA DIFFUSA; GLYCOGENOSIS, GENERALIZED, CARDIAC FORM; GSD II; POMPE DISEASE, INFANTILE-ONSET; GLYCOGEN STORAGE DISEASE II, INFANTILE-ONSET; ACID ALPHA-GLUCOSIDASE DEFICIENCY, INFANTILE-ONSET. Identifiers: Orphanet 365, MedGen C0017921, MONDO:0009290, OMIM 232300.

Submissions (2):

Genomenon, Inc
Classification: Pathogenic for Glycogen storage disease, type II. Last evaluated: 2026-07-01. Review status: criteria provided, single submitter. Criteria: Genomenon Sequence Variant Interpretation Standards - Updated. Collection method: curation. Allele origin: germline. Affected: yes.
Comment: GAA c.1637-2A>G is a canonical splice variant affecting the acceptor splice site of intron 11. It is predicted to affect mRNA splicing, leading to a deleterious effect on the GAA protein. This variant has been observed in at least one proband with a GAA-related disorder (PMID:20033296;25741864;25626711). It is absent or not present at a significant frequency in gnomAD. In conclusion, we classify GAA c.1637-2A>G as a pathogenic variant.

Labcorp Genetics (formerly Invitae), Labcorp
Classification: Pathogenic for Glycogen storage disease, type II. Last evaluated: 2021-05-31. Review status: criteria provided, single submitter. Criteria: Invitae Variant Classification Sherloc (09022015). Collection method: clinical testing. Allele origin: germline.
Comment: This sequence change affects an acceptor splice site in intron 11 of the GAA gene. RNA analysis indicates that this variant induces altered splicing and may result in an absent or disrupted protein product. This variant is not present in population databases (ExAC no frequency). This variant has been observed in individual(s) with Pompe disease (PMID: 22676651). Studies have shown that this variant is associated with incorrect splicing, which introduces a premature termination codon or an in-frame deletion (PMID: 22676651). For these reasons, this variant has been classified as Pathogenic.

Literature cited by the submitters: PubMed 20033296 (cited by Genomenon, Inc); PubMed 25741864 (cited by Genomenon, Inc); PubMed 25626711 (cited by Genomenon, Inc); PubMed 22676651 (cited by Labcorp Genetics (formerly Invitae), Labcorp).